The following is an entry in ClinVar:

ClinVar aggregate classification (germline): Uncertain significance (1 of 4 stars; one submission).

gnomAD v4.1: 9 of 1,613,798 alleles (0.00056%); highest among the groups gnomAD compares: African/African-American, 0.0093%; no homozygotes.

Submission:

CeGaT Center for Human Genetics Tuebingen
Classification: Uncertain significance. Last evaluated: 2025-07-01. Review status: criteria provided, single submitter. Criteria: CeGaT Center For Human Genetics Tuebingen Variant Classification Criteria Version 2. Collection method: clinical testing. Allele origin: germline. Affected: yes. Observed: 1 variant allele.
Comment: SEC31A: PM2

NM_001077207.4(SEC31A):c.2678A>G (p.Tyr893Cys)

Gene: SEC31A (SEC31 homolog A, COPII component; minus strand). Cytogenetic location: 4q21.22.
Variant type: single nucleotide variant.
Coding change: c.2678A>G on transcript NM_001077207.4 (MANE Select); coding-DNA position 2678, A replaced by G.
Protein change: p.Tyr893Cys; replaces tyrosine 893 with cysteine.
Molecular consequence: missense variant. On other transcripts: intron variant (9).
Genome position (GRCh38, 1-based): chr4:82,842,430, T>C on the plus strand (A>G on the coding strand, the complement: SEC31A is on the minus strand). VCF-style: chr4-82842430-T-C. GRCh37 (hg19) VCF-style: chr4-83763583-T-C.
Other names: c.2639A>G, p.Tyr880Cys (NM_001400186.1, NM_001400216.1, NM_001400165.1 and 4 more transcripts); c.2600A>G, p.Tyr867Cys (NM_001400188.1, NM_001400197.1, NM_001400200.1 and 4 more transcripts); c.2678A>G, p.Tyr893Cys (NM_001400190.1, NM_001400191.1, NM_001400193.1 and 10 more transcripts); c.2561A>G, p.Tyr854Cys (NM_001400198.1, NM_001400202.1, NM_001400213.1 and 4 more transcripts); c.2663A>G, p.Tyr888Cys (NM_001400212.1, NM_001400214.1, NM_001191049.2); c.2399A>G, p.Tyr800Cys (NM_001400215.1); c.2204A>G, p.Tyr735Cys (NM_001400224.1); c.2509+1956A>G (NM_001300744.3, NM_001400223.1); and 7 more; short protein forms Y735C, Y800C, Y854C, Y867C, Y880C, Y885C, Y888C, Y893C.
Identifiers: ClinVar variation 4084279 (VCV004084279.8).